The following is an entry in ClinVar:

ClinVar aggregate classification (germline): Uncertain significance (1 of 4 stars; one submission).

Conditions:
Ataxia-telangiectasia syndrome (AT). Also called: ATAXIA-TELANGIECTASIA, COMPLEMENTATION GROUP A; ATAXIA-TELANGIECTASIA, FRESNO VARIANT; Ataxia-telangiectasia; LOUIS-BAR SYNDROME; Cerebello-oculocutaneous telangiectasia; Immunodeficiency with ataxia telangiectasia. Identifiers: Orphanet 100, MedGen C0004135, MONDO:0008840, OMIM 208900.

gnomAD v4.1: 6 of 1,609,442 alleles (0.00037%); highest among the groups gnomAD compares: Non-Finnish European, 0.000085%; no homozygotes.

Submission:

Labcorp Genetics (formerly Invitae), Labcorp
Classification: Uncertain significance for Ataxia-telangiectasia syndrome. Last evaluated: 2025-10-22. Review status: criteria provided, single submitter. Criteria: Invitae Variant Classification Sherloc (09022015). Collection method: clinical testing. Allele origin: germline.
Comment: This sequence change replaces valine, which is neutral and non-polar, with leucine, which is neutral and non-polar, at codon 630 of the ATM protein (p.Val630Leu). This variant is present in population databases (rs148191382, gnomAD 0.0009%). This variant has not been reported in the literature in individuals affected with ATM-related conditions. Invitae Evidence Modeling of protein sequence and biophysical properties (such as structural, functional, and spatial information, amino acid conservation, physicochemical variation, residue mobility, and thermodynamic stability) indicates that this missense variant is not expected to disrupt ATM protein function with a negative predictive value of 95%. In summary, the available evidence is currently insufficient to determine the role of this variant in disease. Therefore, it has been classified as a Variant of Uncertain Significance.

NM_000051.4(ATM):c.1888G>C (p.Val630Leu)

Gene: ATM (ATM serine/threonine kinase; plus strand). Cytogenetic location: 11q22.3.
Variant type: single nucleotide variant.
Coding change: c.1888G>C on transcript NM_000051.4 (MANE Select); coding-DNA position 1888, G replaced by C.
Protein change: p.Val630Leu; replaces valine 630 with leucine.
Molecular consequence: missense variant.
Genome position (GRCh38, 1-based): chr11:108,252,902, G>C. VCF-style: chr11-108252902-G-C. GRCh37 (hg19) VCF-style: chr11-108123629-G-C.
Other names: c.1888G>C, p.Val630Leu (NM_001351834.2); short protein forms V630L.
Identifiers: ClinVar variation 4722579 (VCV004722579.1).